The following is an entry in ClinVar:

ClinVar aggregate classification (germline): Likely pathogenic (1 of 4 stars; one submission).

Submission:

GeneDx
Classification: Likely pathogenic. Last evaluated: 2026-03-27. Review status: criteria provided, single submitter. Criteria: GeneDx Variant Classification Process June 2021. Collection method: clinical testing. Allele origin: germline.
Comment: Has not been previously published as pathogenic or benign to our knowledge; Not observed at significant frequency in large population cohorts (gnomAD); In silico analysis supports that this missense variant has a deleterious effect on protein structure/function

NM_001970.5(EIF5A):c.77G>A (p.Arg26His)

Gene: EIF5A (eukaryotic translation initiation factor 5A; plus strand). Cytogenetic location: 17p13.1.
Variant type: single nucleotide variant.
Coding change: c.77G>A on transcript NM_001970.5 (MANE Select); coding-DNA position 77, G replaced by A.
Protein change: p.Arg26His; replaces arginine 26 with histidine.
Molecular consequence: missense variant.
Genome position (GRCh38, 1-based): chr17:7,309,712, G>A. VCF-style: chr17-7309712-G-A. GRCh37 (hg19) VCF-style: chr17-7213031-G-A.
Other names: c.167G>A, p.Arg56His (NM_001143760.1); c.77G>A, p.Arg26His (NM_001143761.1, NM_001143762.2, NM_001370420.1 and 1 more transcripts); short protein forms R26H, R56H.
Identifiers: ClinVar variation 5016802 (VCV005016802.1).
Genomic context (GRCh38, chr17:7,309,712, plus strand): 5'-ACTTCGAGACAGGAGATGCAGGGGCCTCAGCCACCTTCCCAATGCAGTGCTCAGCATTAC[G>A]TAAGAATGGCTTTGTGGTGCTCAAAGGCCGGCCATGTAAGATCGTCGAGATGTCTACTTC-3'
Protein context (NP_001961.1, residues 16-36): ATFPMQCSAL[Arg26His]KNGFVVLKGR